The following is an entry in ClinVar:

ClinVar aggregate classification (germline): Uncertain significance (1 of 4 stars; one submission).

Conditions:
Cardiovascular phenotype. Identifiers: MedGen CN230736.

gnomAD v4.1: 2 of 1,614,064 alleles (0.00012%); highest among the groups gnomAD compares: Non-Finnish European, 0.00017%; no homozygotes.

Submission:

Ambry Genetics
Classification: Uncertain significance for Cardiovascular phenotype. Last evaluated: 2023-10-20. Review status: criteria provided, single submitter. Criteria: Ambry Variant Classification Scheme 2023. Collection method: clinical testing. Allele origin: germline.
Comment: The c.584+1G>A intronic variant results from a G to A substitution one nucleotide after coding exon 4 of the SCN3B gene. This nucleotide position is highly conserved in available vertebrate species. In silico splice site analysis predicts that this alteration will weaken the native splice donor site. Alterations that disrupt the canonical splice site are expected to cause aberrant splicing, resulting in an abnormal protein or a transcript that is subject to nonsense-mediated mRNA decay. However, loss of function of SCN3B has not been established as a mechanism of disease. The evidence for this gene-disease relationship is limited; therefore, the clinical significance of this alteration is unclear.

NM_001040151.2(SCN3B):c.584+1G>A

Gene: SCN3B (sodium voltage-gated channel beta subunit 3; minus strand). Cytogenetic location: 11q24.1.
Variant type: single nucleotide variant.
Coding change: c.584+1G>A on transcript NM_001040151.2 (MANE Select); the canonical splice donor site of the intron after coding-DNA position 584, G replaced by A.
Molecular consequence: splice donor variant.
Genome position (GRCh38, 1-based): chr11:123,638,185, C>T on the plus strand (G>A on the coding strand, the complement: SCN3B is on the minus strand). VCF-style: chr11-123638185-C-T. GRCh37 (hg19) VCF-style: chr11-123508893-C-T.
Other names: c.584+1G>A (NM_018400.4).
Identifiers: ClinVar variation 3227133 (VCV003227133.1), dbSNP rs1314053457, ClinGen allele CA383070113.
Genomic context (GRCh38, chr11:123,638,185, plus strand): 5'-GTGAGAGCAAGCATTCTGAAGGTGCTAGCTTTCATTATTACTTTGGCATCTCTGGACTTA[C>T]GCGTTTTCTTGGGCTGCCTCTTCGGCTTTTGAGACCTTTCTGTAGCAATATATCATCTCG-3'